The following is an entry in ClinVar:

ClinVar aggregate classification (germline): Likely pathogenic (1 of 4 stars; one submission).

Conditions:
Retinitis pigmentosa 25 (RP25). Identifiers: Orphanet 791, MedGen C1864446, MONDO:0011272, OMIM 602772.

gnomAD v4.1: 2 of 1,549,402 alleles (0.00013%); highest among the groups gnomAD compares: African/African-American, 0.0027%; no homozygotes.

Submission:

Natera, Inc.
Classification: Likely pathogenic for Retinitis pigmentosa type 25. Last evaluated: 2024-03-23. Review status: criteria provided, single submitter. Criteria: Natera Variant Classification Schema (03/2026). Collection method: clinical testing. Allele origin: germline.
Comment: The c.2116C>T variant in EYS is a nonsense variant predicted to introduce a stop codon at amino acid 706. This variant is expected to result in nonsense mediated decay, truncation, or a dysfunctional protein product. This variant is rare in the general population with a frequency below the threshold expected for the associated phenotype(s). Given the available evidence, this variant is classified as Likely Pathogenic.

NM_001142800.2(EYS):c.2116C>T (p.Gln706Ter)

Gene: EYS (EGF-like photoreceptor maintenance factor; minus strand). Cytogenetic location: 6q12.
Variant type: single nucleotide variant.
Coding change: c.2116C>T on transcript NM_001142800.2 (MANE Select); coding-DNA position 2116, C replaced by T.
Protein change: p.Gln706Ter; replaces glutamine 706 with a stop codon.
Molecular consequence: nonsense.
Genome position (GRCh38, 1-based): chr6:65,057,635, G>A on the plus strand (C>T on the coding strand, the complement: EYS is on the minus strand). VCF-style: chr6-65057635-G-A. GRCh37 (hg19) VCF-style: chr6-65767528-G-A.
Other names: c.2116C>T, p.Gln706Ter (NM_001292009.2); short protein forms Q706*.
Identifiers: ClinVar variation 4814617 (VCV004814617.1).